The following is an entry in ClinVar:

ClinVar aggregate classification (germline): Benign. Review status: criteria provided, multiple submitters, no conflicts (2 of 4 stars). 2 submissions from 2 submitters: Benign (2). Last evaluated 2018-01-13.

Conditions:
X-linked lymphoproliferative disease due to XIAP deficiency. Also called: XIAP DEFICIENCY; XIAP-Related Lymphoproliferative Disease, X-Linked. Identifiers: Orphanet 2442, Orphanet 538934, MedGen C1845076, MONDO:0010385, OMIM 300635.

Allele frequency attached by ClinVar (database versions not stated): 1000 Genomes Project 0.00079; 1000 Genomes Project 30x 0.00146; ExAC 0.00176; gnomAD 0.00407 and 0.00412; TOPMed 0.00407; gnomAD exomes 0.00413 and 0.00503.
gnomAD v4.1: 1,520 of 326,479 alleles (0.47%); highest among the groups gnomAD compares: Non-Finnish European, 0.72%; 4 homozygotes.

Submissions (2):

Illumina Laboratory Services, Illumina
Classification: Benign for X-linked lymphoproliferative disease due to XIAP deficiency. Last evaluated: 2018-01-13. Review status: criteria provided, single submitter. Criteria: ICSL Variant Classification Criteria 13 December 2019. Collection method: clinical testing. Allele origin: germline.
Comment: This variant was observed in the ICSL laboratory as part of a predisposition screen in an ostensibly healthy population. It had not been previously curated by ICSL or reported in the Human Gene Mutation Database (HGMD: prior to June 1st, 2018), and was therefore a candidate for classification through an automated scoring system. Utilizing variant allele frequency, disease prevalence and penetrance estimates, and inheritance mode, an automated score was calculated to assess if this variant is too frequent to cause the disease. Based on the score and internal cut-off values, a variant classified as benign is not then subjected to further curation. The score for this variant resulted in a classification of benign for this disease.

Breakthrough Genomics
Classification: Benign. Review status: criteria provided, single submitter. Criteria: ACMG Guidelines, 2015. Collection method: not provided. Allele origin: germline. Inheritance: X-linked inheritance. Affected: yes.

NM_001167.4(XIAP):c.*4889T>C

Gene: XIAP (X-linked inhibitor of apoptosis; plus strand). Cytogenetic location: Xq25.
Variant type: single nucleotide variant.
Coding change: c.*4889T>C on transcript NM_001167.4 (MANE Select); 4889 bases downstream of the stop codon, T replaced by C.
Molecular consequence: 3 prime UTR variant. On other transcripts: non-coding transcript variant (2).
Genome position (GRCh38, 1-based): chrX:123,912,070, T>C. VCF-style: chrX-123912070-T-C. GRCh37 (hg19) VCF-style: chrX-123045920-T-C.
Other names: c.*4889T>C (NM_001204401.2, NM_001378590.1, NM_001378591.1 and 1 more transcripts).
Identifiers: ClinVar variation 367839 (VCV000367839.6), dbSNP rs185939201, ClinGen allele CA10508372.